The following is an entry in ClinVar:

ClinVar aggregate classification (germline): Uncertain significance (1 of 4 stars; one submission).

Conditions:
Mucopolysaccharidosis type 1. Also called: IDUA deficiency; MPS I. Identifiers: Orphanet 579, MedGen C0023786, MONDO:0001586.

gnomAD v4.1: 28 of 1,612,152 alleles (0.0017%); highest among the groups gnomAD compares: Non-Finnish European, 0.0023%; no homozygotes.

Submission:

Labcorp Genetics (formerly Invitae), Labcorp
Classification: Uncertain significance for Mucopolysaccharidosis type 1. Last evaluated: 2022-04-12. Review status: criteria provided, single submitter. Criteria: Invitae Variant Classification Sherloc (09022015). Collection method: clinical testing. Allele origin: germline.
Comment: This sequence change replaces arginine, which is basic and polar, with proline, which is neutral and non-polar, at codon 105 of the IDUA protein (p.Arg105Pro). This variant is present in population databases (rs3755955, gnomAD 0.002%). This variant has not been reported in the literature in individuals affected with IDUA-related conditions. Advanced modeling of protein sequence and biophysical properties (such as structural, functional, and spatial information, amino acid conservation, physicochemical variation, residue mobility, and thermodynamic stability) performed at Invitae indicates that this missense variant is not expected to disrupt IDUA protein function. In summary, the available evidence is currently insufficient to determine the role of this variant in disease. Therefore, it has been classified as a Variant of Uncertain Significance.

NM_000203.5(IDUA):c.314G>C (p.Arg105Pro)

Gene: IDUA (alpha-L-iduronidase; plus strand). Cytogenetic location: 4p16.3.
Variant type: single nucleotide variant.
Coding change: c.314G>C on transcript NM_000203.5 (MANE Select); coding-DNA position 314, G replaced by C.
Protein change: p.Arg105Pro; replaces arginine 105 with proline.
Molecular consequence: missense variant. On other transcripts: non-coding transcript variant (1), 5 prime UTR variant (1).
Genome position (GRCh38, 1-based): chr4:1,000,626, G>C. VCF-style: chr4-1000626-G-C. GRCh37 (hg19) VCF-style: chr4-994414-G-C.
Other names: c.-83G>C (NM_001363576.1); short protein forms R105P.
Identifiers: ClinVar variation 2155520 (VCV002155520.1), dbSNP rs3755955, ClinGen allele CA2801871.
Genomic context (GRCh38, chr4:1,000,626, plus strand): 5'-AGCTGTGTGGGCACCCTGCTTCCTGACGCTGACCGTCCTTCTGCAGGGGGTCCACTGGAC[G>C]GGGCCTGAGCTACAACTTCACCCACCTGGACGGGTACCTGGACCTTCTCAGGGAGAACCA-3'
Protein context (NP_000194.2, residues 95-115): ELVTTRGSTG[Arg105Pro]GLSYNFTHLD